The following is an entry in ClinVar:

ClinVar aggregate classification (germline): Conflicting classifications of pathogenicity. Review status: criteria provided, conflicting classifications (1 of 4 stars). 10 submissions from 10 submitters: Uncertain significance (3); Likely benign (7). Last evaluated 2026-06-01.

Conditions:
GJB3-related disorder. Also called: GJB3-related condition.
Autosomal recessive nonsyndromic hearing loss 1A (DFNB1A). Also called: GJB6-Related DFNB 1 Nonsyndromic Hearing Loss and Deafness; Connexin 26 deafness; Deafness nonsyndromic, Connexin 26 linked; GJB2-Related Autosomal Recessive Nonsyndromic Hearing Loss; Nonsyndromic Hearing Loss and Deafness, DFNB1; Deafness, autosomal recessive 1A. Identifiers: Orphanet 90636, MedGen C2673759, MONDO:0009076, OMIM 220290.
Autosomal dominant nonsyndromic hearing loss 2B. Also called: DEAFNESS, AUTOSOMAL DOMINANT, WITH OR WITHOUT PERIPHERAL NEUROPATHY. Identifiers: Orphanet 90635, MedGen C2675236, MONDO:0012976, OMIM 612644.
Erythrokeratodermia variabilis et progressiva 1 (EKVP1). Also called: ERYTHROKERATODERMIA FIGURATA, CONGENITAL FAMILIAL, IN PLAQUES; ERYTHROKERATODERMIA VARIABILIS WITH ERYTHEMA GYRATUM REPENS; ERYTHROKERATODERMIA, PROGRESSIVE SYMMETRIC. Identifiers: Orphanet 317, MedGen C4551486, MONDO:0033010, OMIM 133200.

Submissions (10):

PreventionGenetics, part of Exact Sciences
Classification: Likely benign for GJB3-related condition. Last evaluated: 2026-06-01. Review status: criteria provided, single submitter. Criteria: ACMG Guidelines, 2015. Collection method: clinical testing. Allele origin: germline.
Comment: This variant is classified as likely benign based on ACMG/AMP sequence variant interpretation guidelines (Richards et al. 2015 PMID: 25741868, with internal and published modifications).

Laboratory of Genetics, Children's Clinical University Hospital Latvia
Classification: Likely benign. Last evaluated: 2025-02-16. Review status: criteria provided, single submitter. Criteria: ACMG Guidelines, 2015. Collection method: clinical testing. Allele origin: germline. Affected: yes.

Labcorp Genetics (formerly Invitae), Labcorp
Classification: Uncertain significance. Last evaluated: 2024-09-06. Review status: criteria provided, single submitter. Criteria: Invitae Variant Classification Sherloc (09022015). Collection method: clinical testing. Allele origin: germline.
Comment: This variant, c.652_663del, results in the deletion of 4 amino acid(s) of the GJB3 protein (p.Leu218_Asp221del), but otherwise preserves the integrity of the reading frame. This variant is present in population databases (rs768372993, gnomAD 0.1%). This variant has been observed in individual(s) with clinical features of autosomal dominant erythrokeratodermia variabilis (PMID: 10798362). This variant is also known as 652del12, ∆LHKD218-221. ClinVar contains an entry for this variant (Variation ID: 163536). Experimental studies and prediction algorithms are not available or were not evaluated, and the functional significance of this variant is currently unknown. In summary, the available evidence is currently insufficient to determine the role of this variant in disease. Therefore, it has been classified as a Variant of Uncertain Significance.

Blueprint Genetics
Classification: Likely benign. Last evaluated: 2024-05-30. Review status: criteria provided, single submitter. Criteria: ACMG Guidelines, 2015. Collection method: clinical testing. Allele origin: germline.

Department of Pathology and Laboratory Medicine, Sinai Health System
Classification: Uncertain significance for Erythrokeratodermia variabilis et progressiva 1; Autosomal recessive nonsyndromic hearing loss 1A; Autosomal dominant nonsyndromic hearing loss 2B. Last evaluated: 2023-05-17. Review status: criteria provided, single submitter. Criteria: ACMG Guidelines, 2015. Collection method: research. Allele origin: germline.

GeneDx
Classification: Likely benign. Last evaluated: 2021-05-14. Review status: criteria provided, single submitter. Criteria: GeneDx Variant Classification Process June 2021. Collection method: clinical testing. Allele origin: germline. Affected: yes.
Comment: Observed in both affected and unaffected individuals in a family with erythrokeratodermia variabilis in published literature; affected patients also harbored a de novo variant on the same allele (in cis) (Richard et al., 2000); In-frame deletion of 4 amino acids in a non-repeat region; In silico analysis, which includes protein predictors and evolutionary conservation, supports a deleterious effect; This variant is associated with the following publications: (PMID: 10798362)

CeGaT Center for Human Genetics Tuebingen
Classification: Likely benign. Last evaluated: 2018-06-01. Review status: criteria provided, single submitter. Criteria: CeGaT Center For Human Genetics Tuebingen Variant Classification Criteria Version 2. Collection method: clinical testing. Allele origin: germline. Affected: yes. Observed: 2 variant alleles.

ARUP Laboratories, Molecular Genetics and Genomics, ARUP Laboratories
Classification: Likely benign. Last evaluated: 2017-12-29. Review status: criteria provided, single submitter. Criteria: ARUP Molecular Germline Variant Investigation Process. Collection method: clinical testing. Allele origin: germline.
Comment: The GJB3 p.Leu218_Asp221del variant (rs727503069) has not been reported in association with hearing loss or deafness, but it has been identified in a family with erythrokeratodermia variabilis without hearing loss; however, this variant was identified in both affected and unaffected individuals whereas another variant that was on the same allele (in cis) and arose de novo in one individual was found only in affected family members (Richard 2000). Collectively, these observations suggest that the p.Leu218_Asp221del is not responsible for disease. Furthermore, the four amino acids that are removed by this in-frame deletion are poorly conserved (UCSC). The p.Leu218_Asp221del variant is listed in the Genome Aggregation Database (gnomAD) browser with an allele frequency of 0.14% in the Ashkenazi Jewish population (identified in 14 out of 10,148 chromosomes), and is found in the ClinVar database (Variant ID: 163536). Based on the available evidence, the p.Leu218_Asp221del variant is classified as likely benign.

Laboratory for Molecular Medicine, Mass General Brigham Personalized Medicine
Classification: Likely benign. Last evaluated: 2015-02-27. Review status: criteria provided, single submitter. Criteria: LMM Criteria. Collection method: clinical testing. Allele origin: germline. Observed: 2 variant alleles.
Comment: p.Leu218_Asp221del in exon 2 of GJB3: This variant is not expected to have clini cal significance because the region affected by this 4 amino acid in-frame delet ion is poorly conserved across mammals and evolutionarily distant species. This variant has also been identified in 2/8250 European American c hromosomes by the NHLBI Exome Sequencing Project (VS/).

Eurofins Ntd Llc (ga)
Classification: Uncertain significance. Last evaluated: 2015-01-22. Review status: criteria provided, single submitter. Criteria: EGL Classification Definitions 2015. Collection method: clinical testing. Allele origin: germline.

Literature cited by the submitters: PubMed 10798362 (cited by Labcorp Genetics (formerly Invitae), Labcorp and Laboratory for Molecular Medicine, Mass General Brigham Personalized Medicine).

NM_024009.3(GJB3):c.652_663del (p.Leu218_Asp221del)

Gene: GJB3 (gap junction protein beta 3; plus strand). Cytogenetic location: 1p34.3.
Variant type: Deletion.
Coding change: c.652_663del on transcript NM_024009.3 (MANE Select); coding-DNA positions 652 to 663, 12 bases deleted (CTGCACAAGGAC).
Protein change: p.Leu218_Asp221del.
Genome position (GRCh38, 1-based): chr1:34,785,414-34,785,425, CTGCACAAGGAC deleted; deleting any 12 consecutive bases within chr1:34,785,413-34,785,425 gives the same sequence; the c. name uses the placement nearest the transcript's 3' end. VCF-style (leftmost placement, unchanged base first): chr1-34785412-GCCTGCACAAGGA-G. GRCh37 (hg19) VCF-style: chr1-35251013-GCCTGCACAAGGA-G.
Other names: c.652_663del12 (NM_024009.2); c.652_663del, p.Leu218_Asp221del (NM_001005752.2).
Identifiers: ClinVar variation 163536 (VCV000163536.69), dbSNP rs727503069, ClinGen allele CA176175.